The following is an entry in ClinVar:

NM_001005373.4(LRSAM1):c.640C>T (p.Pro214Ser)

Gene: LRSAM1 (leucine rich repeat and sterile alpha motif containing 1; plus strand). Cytogenetic location: 9q33.3.
Variant type: single nucleotide variant.
Coding change: c.640C>T on transcript NM_001005373.4 (MANE Select); coding-DNA position 640, C replaced by T.
Protein change: p.Pro214Ser; replaces proline 214 with serine.
Molecular consequence: missense variant. On other transcripts: 5 prime UTR variant (1), non-coding transcript variant (2).
Genome position (GRCh38, 1-based): chr9:127,473,821, C>T. VCF-style: chr9-127473821-C-T. GRCh37 (hg19) VCF-style: chr9-130236100-C-T.
Other names: c.640C>T, p.Pro214Ser (NM_001005374.4, NM_001190723.3, NM_001384142.1 and 2 more transcripts); c.-145C>T (NM_001384144.1); short protein forms P214S.
Identifiers: ClinVar variation 2918084 (VCV002918084.3), dbSNP rs1835258898, ClinGen allele CA374929653.
Genomic context (GRCh38, chr9:127,473,821, plus strand): 5'-TCTCCTCCCTCCTGGTCAGCTTGTGTCCCGTCTCTTACAGAGTCAGGGCTGGAATACTAC[C>T]CCCCTTCTCAGTACTTGCTGCCAATTCTGGAGCAAGATGGAATCGAGAACTCTCGGGACA-3'
Protein context (NP_001005373.1, residues 204-224): LCKESGLEYY[Pro214Ser]PSQYLLPILE

ClinVar aggregate classification (germline): Uncertain significance (1 of 4 stars; one submission).

Conditions:
Charcot-Marie-Tooth disease axonal type 2P. Also called: CHARCOT-MARIE-TOOTH NEUROPATHY, TYPE 2P; Charcot-Marie-Tooth Neuropathy Type 2G; CHARCOT-MARIE-TOOTH DISEASE, AXONAL, TYPE 2G; CMT 2G. Identifiers: Orphanet 300319, Orphanet 99941, MedGen C3280797, MONDO:0013753, OMIM 614436.

Allele frequency attached by ClinVar (database versions not stated): gnomAD exomes below 0.00001.
gnomAD v4.1: 4 of 1,614,212 alleles (0.00025%); highest among the groups gnomAD compares: South Asian, 0.0011%; no homozygotes.

Submission:

Labcorp Genetics (formerly Invitae), Labcorp
Classification: Uncertain significance for Charcot-Marie-Tooth disease axonal type 2P. Last evaluated: 2024-12-02. Review status: criteria provided, single submitter. Criteria: Invitae Variant Classification Sherloc (09022015). Collection method: clinical testing. Allele origin: germline.
Comment: This sequence change replaces proline, which is neutral and non-polar, with serine, which is neutral and polar, at codon 214 of the LRSAM1 protein (p.Pro214Ser). This variant is not present in population databases (gnomAD no frequency). This variant has not been reported in the literature in individuals affected with LRSAM1-related conditions. ClinVar contains an entry for this variant (Variation ID: 2918084). Invitae Evidence Modeling of protein sequence and biophysical properties (such as structural, functional, and spatial information, amino acid conservation, physicochemical variation, residue mobility, and thermodynamic stability) indicates that this missense variant is not expected to disrupt LRSAM1 protein function with a negative predictive value of 80%. In summary, the available evidence is currently insufficient to determine the role of this variant in disease. Therefore, it has been classified as a Variant of Uncertain Significance.